The following is an entry in ClinVar:

ClinVar aggregate classification (germline): Uncertain significance (1 of 4 stars; one submission).

Conditions:
Hereditary cancer-predisposing syndrome. Also called: Tumor predisposition; Hereditary Cancer Syndrome; Neoplastic Syndromes, Hereditary; Hereditary neoplastic syndrome. Identifiers: Orphanet 140162, MedGen C0027672, MeSH D009386, MONDO:0015356.

Submission:

Color Diagnostics, LLC DBA Color Health
Classification: Uncertain significance for Hereditary cancer-predisposing syndrome. Last evaluated: 2025-06-09. Review status: criteria provided, single submitter. Criteria: ACMG Guidelines, 2015. Collection method: clinical testing. Allele origin: germline.
Comment: This missense variant replaces valine with leucine at codon 1681 of the BRCA2 protein. Computational prediction is inconclusive regarding the impact of this variant on protein structure and function. To our knowledge, functional studies have not been reported for this variant. This variant has not been reported in individuals affected with BRCA2-related disorders in the literature. This variant has not been identified in the general population by the Genome Aggregation Database (gnomAD). The available evidence is insufficient to determine the role of this variant in disease conclusively. Therefore, this variant is classified as a Variant of Uncertain Significance.

NM_000059.4(BRCA2):c.5041G>C (p.Val1681Leu)

Gene: BRCA2 (BRCA2 DNA repair associated; plus strand). Cytogenetic location: 13q13.1.
Variant type: single nucleotide variant.
Coding change: c.5041G>C on transcript NM_000059.4 (MANE Select); coding-DNA position 5041, G replaced by C.
Protein change: p.Val1681Leu; replaces valine 1681 with leucine.
Molecular consequence: missense variant. On other transcripts: non-coding transcript variant (1), intron variant (2).
Genome position (GRCh38, 1-based): chr13:32,339,396, G>C. VCF-style: chr13-32339396-G-C. GRCh37 (hg19) VCF-style: chr13-32913533-G-C.
Other names: c.5041G>C, p.Val1681Leu (NM_001406719.1, NM_001406720.1, NM_001432077.1); c.1910-5162G>C (NM_001406721.1); c.425-5162G>C (NM_001406722.1); short protein forms V1681L.
Identifiers: ClinVar variation 4757134 (VCV004757134.1).